The following is an entry in ClinVar:

ClinVar aggregate classification (germline): Uncertain significance (1 of 4 stars; one submission).

Conditions:
Autoimmune interstitial lung disease-arthritis syndrome. Also called: Autoinflammation and autoimmunity, systemic, with immune dysregulation. Identifiers: Orphanet 444092, MedGen C5975714, MONDO:0014629.

Submission:

Labcorp Genetics (formerly Invitae), Labcorp
Classification: Uncertain significance for Autoimmune interstitial lung disease-arthritis syndrome. Last evaluated: 2025-11-19. Review status: criteria provided, single submitter. Criteria: Invitae Variant Classification Sherloc (09022015). Collection method: clinical testing. Allele origin: germline.
Comment: This sequence change falls in intron 27 of the COPA gene. It does not directly change the encoded amino acid sequence of the COPA protein. This variant is present in population databases (no rsID available, gnomAD 0.003%). This variant has not been reported in the literature in individuals affected with COPA-related conditions. Experimental studies and prediction algorithms are not available or were not evaluated, and the functional significance of this variant is currently unknown. In summary, the available evidence is currently insufficient to determine the role of this variant in disease. Therefore, it has been classified as a Variant of Uncertain Significance.

NM_004371.4(COPA):c.2773_2823+12dup

Gene: COPA (coat protein complex I subunit alpha; minus strand). Cytogenetic location: 1q23.2.
Variant type: Duplication.
Coding change: c.2773_2823+12dup on transcript NM_004371.4 (MANE Select); coding-DNA position 2773 through 12 bases into the intron after coding-DNA position 2823, 63 bases duplicated.
Molecular consequence: splice donor variant.
Genome position (GRCh38, 1-based): chr1:160,293,154-160,293,216, 63 bases duplicated. GRCh37 (hg19): chr1:160,262,945-160,263,007.
Other names: c.2800_2850+12dup (NM_001098398.2).
Identifiers: ClinVar variation 4765617 (VCV004765617.1).